The following is an entry in ClinVar:

NM_001134382.3(IQSEC1):c.2089G>C (p.Glu697Gln)

Gene: IQSEC1 (IQ motif and Sec7 domain ArfGEF 1; minus strand). Cytogenetic location: 3p25.2.
Variant type: single nucleotide variant.
Coding change: c.2089G>C on transcript NM_001134382.3 (MANE Select); coding-DNA position 2089, G replaced by C.
Protein change: p.Glu697Gln; replaces glutamic acid 697 with glutamine.
Molecular consequence: missense variant.
Genome position (GRCh38, 1-based): chr3:12,915,665, C>G on the plus strand (G>C on the coding strand, the complement: IQSEC1 is on the minus strand). VCF-style: chr3-12915665-C-G. GRCh37 (hg19) VCF-style: chr3-12957165-C-G.
Other names: c.1765G>C, p.Glu589Gln (NM_001330619.3); c.2413G>C, p.Glu805Gln (NM_001376938.2); c.2131G>C, p.Glu711Gln (NM_014869.8); short protein forms E697Q, E589Q, E711Q, E805Q.
Identifiers: ClinVar variation 2790308 (VCV002790308.3), dbSNP rs1387907971, ClinGen allele CA351504337.

ClinVar aggregate classification (germline): Uncertain significance (1 of 4 stars; one submission).

Allele frequency attached by ClinVar (database versions not stated): gnomAD exomes below 0.00001; TOPMed below 0.00001.
gnomAD v4.1: 2 of 1,614,178 alleles (0.00012%); highest among the groups gnomAD compares: Non-Finnish European, 0.00017%; no homozygotes.

Submission:

Labcorp Genetics (formerly Invitae), Labcorp
Classification: Uncertain significance. Last evaluated: 2023-10-26. Review status: criteria provided, single submitter. Criteria: Invitae Variant Classification Sherloc (09022015). Collection method: clinical testing. Allele origin: germline.
Comment: This sequence change replaces glutamic acid, which is acidic and polar, with glutamine, which is neutral and polar, at codon 697 of the IQSEC1 protein (p.Glu697Gln). This variant is present in population databases (no rsID available, gnomAD 0.0009%). This variant has not been reported in the literature in individuals affected with IQSEC1-related conditions. Advanced modeling of protein sequence and biophysical properties (such as structural, functional, and spatial information, amino acid conservation, physicochemical variation, residue mobility, and thermodynamic stability) performed at Invitae indicates that this missense variant is expected to disrupt IQSEC1 protein function with a positive predictive value of 80%. In summary, the available evidence is currently insufficient to determine the role of this variant in disease. Therefore, it has been classified as a Variant of Uncertain Significance.